The following is an entry in ClinVar:

NM_004415.4(DSP):c.1582del (p.Gln528fs)

Gene: DSP (desmoplakin; plus strand). Cytogenetic location: 6p24.3.
Variant type: Deletion.
Coding change: c.1582del on transcript NM_004415.4 (MANE Select); coding-DNA position 1582, one base deleted (C; older notation c.1582delC).
Protein change: p.Gln528fs; shifts the reading frame from glutamine 528.
Molecular consequence: frameshift variant.
Genome position (GRCh38, 1-based): chr6:7,570,444, C deleted. VCF-style (leftmost placement, unchanged base first): chr6-7570443-GC-G. GRCh37 (hg19) VCF-style: chr6-7570676-GC-G.
Other names: c.1582del, p.Gln528fs (NM_001008844.3, NM_001319034.2); short protein forms Q528fs.
Identifiers: ClinVar variation 1434183 (VCV001434183.6), dbSNP rs2113677263, ClinGen allele CA2573140854.
Genomic context (GRCh38, chr6:7,570,443, plus strand): 5'-TGGGATGAAGTGTGAAAGCCTGGCTCTAGCATGTTTTCCCTTTGTGCCTCTTAGGATTGA[GC>G]AGTACTACGAAGCCATCTTGGCTCTGTGGAACCAGCTCTACATCAACATGAAGAGCCTGG-3'

ClinVar aggregate classification (germline): Pathogenic (1 of 4 stars; one submission).

Conditions:
Arrhythmogenic right ventricular dysplasia 8 (ARVD8). Also called: ARRHYTHMOGENIC RIGHT VENTRICULAR DYSPLASIA, FAMILIAL, 8; ARRHYTHMOGENIC RIGHT VENTRICULAR CARDIOMYOPATHY 8; Arrhythmogenic Right Ventricular Dysplasia/Cardiomyopathy 8. Identifiers: MedGen C1843896, MONDO:0011831, OMIM 607450.
Arrhythmogenic cardiomyopathy with wooly hair and keratoderma. Also called: Arrhythmogenic cardiomyopathy with woolly hair and keratoderma; PALMOPLANTAR KERATODERMA WITH LEFT VENTRICULAR CARDIOMYOPATHY AND WOOLLY HAIR; Carvajal syndrome; Dilated cardiomyopathy with woolly hair and keratoderma. Identifiers: Orphanet 65282, MedGen C1854063, MONDO:0011581, OMIM 605676.

Submission:

Labcorp Genetics (formerly Invitae), Labcorp
Classification: Pathogenic for Arrhythmogenic cardiomyopathy with wooly hair and keratoderma; Arrhythmogenic right ventricular dysplasia 8. Last evaluated: 2021-05-01. Review status: criteria provided, single submitter. Criteria: Invitae Variant Classification Sherloc (09022015). Collection method: clinical testing. Allele origin: germline.
Comment: This sequence change creates a premature translational stop signal (p.Gln528Serfs*17) in the DSP gene. It is expected to result in an absent or disrupted protein product. Loss-of-function variants in DSP are known to be pathogenic (PMID: 20716751, 24503780, 25227139). This variant is not present in population databases (ExAC no frequency). This variant has not been reported in the literature in individuals with DSP-related conditions. For these reasons, this variant has been classified as Pathogenic.

Literature cited by the submitters: PubMed 20716751; PubMed 24503780; PubMed 25227139.